The following is an entry in ClinVar:

NM_001105206.3(LAMA4):c.2189G>T (p.Arg730Leu)

Gene: LAMA4 (laminin subunit alpha 4; minus strand). Cytogenetic location: 6q21.
Variant type: single nucleotide variant.
Coding change: c.2189G>T on transcript NM_001105206.3 (MANE Select); coding-DNA position 2189, G replaced by T.
Protein change: p.Arg730Leu; replaces arginine 730 with leucine.
Molecular consequence: missense variant.
Genome position (GRCh38, 1-based): chr6:112,148,321, C>A on the plus strand (G>T on the coding strand, the complement: LAMA4 is on the minus strand). VCF-style: chr6-112148321-C-A. GRCh37 (hg19) VCF-style: chr6-112469523-C-A.
Other names: c.2168G>T, p.Arg723Leu (NM_001105207.3, NM_002290.5); short protein forms R730L, R723L.
Identifiers: ClinVar variation 1787015 (VCV001787015.2), dbSNP rs781825990, ClinGen allele CA365383748.
Genomic context (GRCh38, chr6:112,148,321, plus strand): 5'-TGCTGCACCTCCATCGTCGTCCTGTTGGCTTCCTCGGTGATCAGTCTAGACTGCCCCAGG[C>A]GCTGCTGGGCATCCCCTTTACACAGAGCACAGGGTCATTCACTTTGCAGAGAAGCCGGAT-3'
Protein context (NP_001098676.2, residues 720-740): QAAERGDAQQ[Arg730Leu]LGQSRLITEE

ClinVar aggregate classification (germline): Uncertain significance (1 of 4 stars; one submission).

Conditions:
Cardiovascular phenotype. Identifiers: MedGen CN230736.

gnomAD v4.1: 1 of 1,614,114 alleles (0.000062%); highest among the groups gnomAD compares: African/African-American, 0.0013%; no homozygotes.

Submission:

Ambry Genetics
Classification: Uncertain significance for Cardiovascular phenotype. Last evaluated: 2021-08-16. Review status: criteria provided, single submitter. Criteria: Ambry Variant Classification Scheme 2023. Collection method: clinical testing. Allele origin: germline.
Comment: The p.R723L variant (also known as c.2168G>T), located in coding exon 17 of the LAMA4 gene, results from a G to T substitution at nucleotide position 2168. The arginine at codon 723 is replaced by leucine, an amino acid with dissimilar properties. This amino acid position is conserved. In addition, the in silico prediction for this alteration is inconclusive. Since supporting evidence is limited at this time, the clinical significance of this alteration remains unclear.